The following is an entry in ClinVar:

NM_000717.5(CA4):c.532G>A (p.Glu178Lys)

Gene: CA4 (carbonic anhydrase 4; plus strand). Cytogenetic location: 17q23.1.
Variant type: single nucleotide variant.
Coding change: c.532G>A on transcript NM_000717.5 (MANE Select); coding-DNA position 532, G replaced by A.
Protein change: p.Glu178Lys; replaces glutamic acid 178 with lysine.
Molecular consequence: missense variant. On other transcripts: non-coding transcript variant (1).
Genome position (GRCh38, 1-based): chr17:60,158,079, G>A. VCF-style: chr17-60158079-G-A. GRCh37 (hg19) VCF-style: chr17-58235440-G-A.
Other names: short protein forms E178K.
Identifiers: ClinVar variation 2096155 (VCV002096155.5), dbSNP rs1443641252, ClinGen allele CA400457599.

ClinVar aggregate classification (germline): Conflicting classifications of pathogenicity. Review status: criteria provided, conflicting classifications (1 of 4 stars). 2 submissions from 2 submitters: Uncertain significance (1); Likely benign (1). Last evaluated 2025-05-05.

gnomAD v4.1: 8 of 1,613,912 alleles (0.0005%); highest among the groups gnomAD compares: East Asian, 0.0022%; no homozygotes.

Submissions (2):

Labcorp Genetics (formerly Invitae), Labcorp
Classification: Uncertain significance. Last evaluated: 2025-05-05. Review status: criteria provided, single submitter. Criteria: Invitae Variant Classification Sherloc (09022015). Collection method: clinical testing. Allele origin: germline.
Comment: This sequence change replaces glutamic acid, which is acidic and polar, with lysine, which is basic and polar, at codon 178 of the CA4 protein (p.Glu178Lys). This variant is not present in population databases (gnomAD no frequency). This variant has not been reported in the literature in individuals affected with CA4-related conditions. ClinVar contains an entry for this variant (Variation ID: 2096155). Invitae Evidence Modeling of protein sequence and biophysical properties (such as structural, functional, and spatial information, amino acid conservation, physicochemical variation, residue mobility, and thermodynamic stability) indicates that this missense variant is not expected to disrupt CA4 protein function with a negative predictive value of 80%. In summary, the available evidence is currently insufficient to determine the role of this variant in disease. Therefore, it has been classified as a Variant of Uncertain Significance.

Ambry Genetics
Classification: Likely benign. Last evaluated: 2021-10-18. Review status: criteria provided, single submitter. Criteria: Ambry Variant Classification Scheme 2023. Collection method: clinical testing. Allele origin: germline.